The following is an entry in ClinVar:

ClinVar aggregate classification (germline): Uncertain significance. Review status: criteria provided, multiple submitters, no conflicts (2 of 4 stars). 2 submissions from 2 submitters: Uncertain significance (2). Last evaluated 2025-05-28.

Conditions:
Inborn genetic diseases. Identifiers: MedGen C0950123, MeSH D030342.

Allele frequency attached by ClinVar (database versions not stated): gnomAD exomes 0.00003 and 0.00002; gnomAD 0.00001; TOPMed 0.00002; ExAC 0.00002; ESP Exome Variant Server 0.00023.

Submissions (2):

Ambry Genetics
Classification: Uncertain significance for Inborn genetic diseases. Last evaluated: 2025-05-28. Review status: criteria provided, single submitter. Criteria: Ambry Variant Classification Scheme 2023. Collection method: clinical testing. Allele origin: germline.

Labcorp Genetics (formerly Invitae), Labcorp
Classification: Uncertain significance. Last evaluated: 2023-08-24. Review status: criteria provided, single submitter. Criteria: Invitae Variant Classification Sherloc (09022015). Collection method: clinical testing. Allele origin: germline.
Comment: An algorithm developed to predict the effect of missense changes on protein structure and function (PolyPhen-2) suggests that this variant¬†is likely to be tolerated. In summary, the available evidence is currently insufficient to determine the role of this variant in disease. Therefore, it has been classified as a Variant of Uncertain Significance. This variant has not been reported in the literature in individuals affected with SNX10-related conditions. This sequence change replaces lysine, which is basic and polar, with threonine, which is neutral and polar, at codon 148 of the SNX10 protein (p.Lys148Thr). This variant is present in population databases (rs144932855, gnomAD 0.004%). ClinVar contains an entry for this variant (Variation ID: 1467690).

NM_013322.3(SNX10):c.443A>C (p.Lys148Thr)

Gene: SNX10 (sorting nexin 10; plus strand). Cytogenetic location: 7p15.2.
Variant type: single nucleotide variant.
Coding change: c.443A>C on transcript NM_013322.3 (MANE Select); coding-DNA position 443, A replaced by C.
Protein change: p.Lys148Thr; replaces lysine 148 with threonine.
Molecular consequence: missense variant.
Genome position (GRCh38, 1-based): chr7:26,371,952, A>C. VCF-style: chr7-26371952-A-C. GRCh37 (hg19) VCF-style: chr7-26411572-A-C.
Other names: c.443A>C, p.Lys148Thr (NM_001199835.1, NM_001318199.3); c.434A>C, p.Lys145Thr (NM_001199837.3); c.191A>C, p.Lys64Thr (NM_001199838.2); c.521A>C, p.Lys174Thr (NM_001318198.1, NM_001362753.1, NM_001362754.1); short protein forms K174T, K64T, K148T, K145T.
Identifiers: ClinVar variation 1467690 (VCV001467690.5), dbSNP rs144932855, ClinGen allele CA4195265.